The following is an entry in ClinVar:

NM_001060.6(TBXA2R):c.429C>T (p.Val143=)

Gene: TBXA2R (thromboxane A2 receptor; minus strand). Cytogenetic location: 19p13.3.
Variant type: single nucleotide variant.
Coding change: c.429C>T on transcript NM_001060.6 (MANE Select); coding-DNA position 429, C replaced by T.
Protein change: p.Val143=; no amino-acid change (valine 143 retained).
Molecular consequence: synonymous variant.
Genome position (GRCh38, 1-based): chr19:3,600,206, G>A on the plus strand (C>T on the coding strand, the complement: TBXA2R is on the minus strand). VCF-style: chr19-3600206-G-A. GRCh37 (hg19) VCF-style: chr19-3600204-G-A.
Other names: p.Val143=; c.429C>T, p.Val143= (NM_201636.3).
Identifiers: ClinVar variation 768955 (VCV000768955.10), dbSNP rs34604531, ClinGen allele CA9080856.

ClinVar aggregate classification (germline): Benign/Likely benign. Review status: criteria provided, multiple submitters, no conflicts (2 of 4 stars). 3 submissions from 3 submitters: Benign (2); Likely benign (1). Last evaluated 2026-01-27.

Allele frequency attached by ClinVar (database versions not stated): gnomAD exomes 0.00167 and 0.00062; ExAC 0.00203; TOPMed 0.00701; 1000 Genomes Project 0.00879; 1000 Genomes Project 30x 0.00999; ESP Exome Variant Server 0.00450; gnomAD 0.00655 and 0.00696.
gnomAD v4.1: 1,928 of 1,601,448 alleles (0.12%); highest among the groups gnomAD compares: African/African-American, 2.3%; 16 homozygotes.

Submissions (3):

Labcorp Genetics (formerly Invitae), Labcorp
Classification: Benign. Last evaluated: 2026-01-27. Review status: criteria provided, single submitter. Criteria: Invitae Variant Classification Sherloc (09022015). Collection method: clinical testing. Allele origin: germline.

Mayo Clinic Laboratories, Mayo Clinic
Classification: Likely benign. Last evaluated: 2025-04-14. Review status: criteria provided, single submitter. Criteria: ACMG Guidelines, 2015. Collection method: clinical testing. Allele origin: germline. Observed: 4 variant alleles.
Comment: BS1, BP4, BP7

Breakthrough Genomics
Classification: Benign. Review status: criteria provided, single submitter. Criteria: ACMG Guidelines, 2015. Collection method: not provided. Allele origin: germline. Inheritance: Autosomal dominant inheritance. Affected: yes.